The following is an entry in ClinVar:

ClinVar aggregate classification (germline): Uncertain significance (1 of 4 stars; one submission).

Conditions:
Hypermethioninemia with deficiency of S-adenosylhomocysteine hydrolase. Identifiers: Orphanet 88618, MedGen C3151058, MONDO:0013404, OMIM 613752.

Allele frequency attached by ClinVar (database versions not stated): gnomAD 0.00001; gnomAD exomes 0.00002; TOPMed 0.00002; ExAC 0.00007.

Submission:

Labcorp Genetics (formerly Invitae), Labcorp
Classification: Uncertain significance for Hypermethioninemia with deficiency of S-adenosylhomocysteine hydrolase. Last evaluated: 2022-07-26. Review status: criteria provided, single submitter. Criteria: Invitae Variant Classification Sherloc (09022015). Collection method: clinical testing. Allele origin: germline.
Comment: This sequence change replaces glycine, which is neutral and non-polar, with arginine, which is basic and polar, at codon 132 of the AHCY protein (p.Gly132Arg). In summary, the available evidence is currently insufficient to determine the role of this variant in disease. Therefore, it has been classified as a Variant of Uncertain Significance. Algorithms developed to predict the effect of missense changes on protein structure and function are either unavailable or do not agree on the potential impact of this missense change (SIFT: "Not Available"; PolyPhen-2: "Probably Damaging"; Align-GVGD: "Not Available"). This variant has not been reported in the literature in individuals affected with AHCY-related conditions. This variant is present in population databases (rs778383891, gnomAD 0.006%).

NM_000687.4(AHCY):c.394G>A (p.Gly132Arg)

Gene: AHCY (adenosylhomocysteinase; minus strand). Cytogenetic location: 20q11.22.
Variant type: single nucleotide variant.
Coding change: c.394G>A on transcript NM_000687.4 (MANE Select); coding-DNA position 394, G replaced by A.
Protein change: p.Gly132Arg; replaces glycine 132 with arginine.
Molecular consequence: missense variant.
Genome position (GRCh38, 1-based): chr20:34,292,409, C>T on the plus strand (G>A on the coding strand, the complement: AHCY is on the minus strand). VCF-style: chr20-34292409-C-T. GRCh37 (hg19) VCF-style: chr20-32880215-C-T.
Other names: c.310G>A, p.Gly104Arg (NM_001161766.2, NM_001322084.2, NM_001322085.2); c.400G>A, p.Gly134Arg (NM_001322086.2); c.394G>A, p.Gly132Arg (NM_001362750.2); short protein forms G134R, G104R, G132R.
Identifiers: ClinVar variation 2154096 (VCV002154096.4), dbSNP rs778383891, ClinGen allele CA9821021.
Genomic context (GRCh38, chr20:34,292,409, plus strand): 5'-CCTGCTCACCTGGCAGAAGCTGCGGGTACTTGGTGTGGATGAGGTTGGTGAGGTCGCCCC[C>T]GTCGTCCAGAATCATGTTGAGGGGCCCGTCCTTGAAGTACAGGGTCTGCTCAATGCACCA-3'
Protein context (NP_000678.1, residues 122-142): DGPLNMILDD[Gly132Arg]GDLTNLIHTK